The following is an entry in ClinVar:

NM_000039.3(APOA1):c.741G>C (p.Glu247Asp)

Gene: APOA1 (apolipoprotein A1; minus strand). Cytogenetic location: 11q23.3.
Variant type: single nucleotide variant.
Coding change: c.741G>C on transcript NM_000039.3 (MANE Select); coding-DNA position 741, G replaced by C.
Protein change: p.Glu247Asp; replaces glutamic acid 247 with aspartic acid.
Molecular consequence: missense variant.
Genome position (GRCh38, 1-based): chr11:116,835,871, C>G on the plus strand (G>C on the coding strand, the complement: APOA1 is on the minus strand). VCF-style: chr11-116835871-C-G. GRCh37 (hg19) VCF-style: chr11-116706587-C-G.
Other names: c.741G>C, p.Glu247Asp (NM_001318017.2, NM_001318018.2); c.414G>C, p.Glu138Asp (NM_001318021.2); short protein forms E138D, E247D.
Identifiers: ClinVar variation 1993549 (VCV001993549.4), dbSNP rs2540287167, ClinGen allele CA382714039.

ClinVar aggregate classification (germline): Uncertain significance (1 of 4 stars; one submission).

Allele frequency attached by ClinVar (database versions not stated): gnomAD exomes below 0.00001.

Submission:

Labcorp Genetics (formerly Invitae), Labcorp
Classification: Uncertain significance. Last evaluated: 2022-05-12. Review status: criteria provided, single submitter. Criteria: Invitae Variant Classification Sherloc (09022015). Collection method: clinical testing. Allele origin: germline.
Comment: This sequence change replaces glutamic acid, which is acidic and polar, with aspartic acid, which is acidic and polar, at codon 247 of the APOA1 protein (p.Glu247Asp). This variant is not present in population databases (gnomAD no frequency). This variant has not been reported in the literature in individuals affected with APOA1-related conditions. Algorithms developed to predict the effect of missense changes on protein structure and function are either unavailable or do not agree on the potential impact of this missense change (SIFT: "Not Available"; PolyPhen-2: "Probably Damaging"; Align-GVGD: "Not Available"). In summary, the available evidence is currently insufficient to determine the role of this variant in disease. Therefore, it has been classified as a Variant of Uncertain Significance.